The following is an entry in ClinVar:

NM_000349.3(STAR):c.401_402del (p.Leu133_Tyr134insTer)

Gene: STAR (steroidogenic acute regulatory protein; minus strand). Cytogenetic location: 8p11.23.
Variant type: Deletion.
Coding change: c.401_402del on transcript NM_000349.3 (MANE Select); coding-DNA positions 401 to 402, 2 bases deleted (AT; older notation c.401_402delAT).
Protein change: p.Leu133_Tyr134insTer.
Molecular consequence: nonsense.
Genome position (GRCh38, 1-based): chr8:38,146,352-38,146,353, AT deleted on the plus strand (AT on the coding strand, the reverse complement: STAR is on the minus strand); deleting any 2 consecutive bases within chr8:38,146,352-38,146,354 gives the same sequence; the c. name uses the placement nearest the transcript's 3' end. VCF-style (leftmost placement, unchanged base first): chr8-38146351-CAT-C. GRCh37 (hg19) VCF-style: chr8-38003869-CAT-C.
Identifiers: ClinVar variation 2120151 (VCV002120151.4), dbSNP rs2487063325, ClinGen allele CA2580078228.

ClinVar aggregate classification (germline): Pathogenic (1 of 4 stars; one submission).

Submission:

Labcorp Genetics (formerly Invitae), Labcorp
Classification: Pathogenic. Last evaluated: 2022-04-01. Review status: criteria provided, single submitter. Criteria: Invitae Variant Classification Sherloc (09022015). Collection method: clinical testing. Allele origin: germline.
Comment: This variant is not present in population databases (gnomAD no frequency). This sequence change creates a premature translational stop signal (p.Tyr134*) in the STAR gene. It is expected to result in an absent or disrupted protein product. Loss-of-function variants in STAR are known to be pathogenic (PMID: 8948562). This variant has not been reported in the literature in individuals affected with STAR-related conditions. For these reasons, this variant has been classified as Pathogenic.

Literature cited by the submitters: PubMed 8948562.